The following is an entry in ClinVar:

ClinVar aggregate classification (germline): Conflicting classifications of pathogenicity. Review status: criteria provided, conflicting classifications (1 of 4 stars). 10 submissions from 10 submitters: Uncertain significance (3); Benign (1); Likely benign (6). Last evaluated 2026-01-05.

Conditions:
WFS1-Related Spectrum Disorders.
Inborn genetic diseases. Identifiers: MedGen C0950123, MeSH D030342.
Monogenic diabetes. Identifiers: Orphanet 183625, MedGen C3888631, MONDO:0015967.

Allele frequency attached by ClinVar (database versions not stated): gnomAD exomes 0.00049; ExAC 0.00055; 1000 Genomes Project 0.00180; gnomAD 0.00186 and 0.00202; 1000 Genomes Project 30x 0.00203; TOPMed 0.00203; ESP Exome Variant Server 0.00261.
gnomAD v4.1: 574 of 1,612,304 alleles (0.036%); highest among the groups gnomAD compares: African/African-American, 0.67%; no homozygotes.

Submissions (10):

Labcorp Genetics (formerly Invitae), Labcorp
Classification: Likely benign. Last evaluated: 2026-01-05. Review status: criteria provided, single submitter. Criteria: Invitae Variant Classification Sherloc (09022015). Collection method: clinical testing. Allele origin: germline.

Blueprint Genetics
Classification: Likely benign. Last evaluated: 2024-02-27. Review status: criteria provided, single submitter. Criteria: ACMG Guidelines, 2015. Collection method: clinical testing. Allele origin: germline.

Ambry Genetics
Classification: Likely benign for Inborn genetic diseases. Last evaluated: 2021-06-09. Review status: criteria provided, single submitter. Criteria: Ambry Variant Classification Scheme 2023. Collection method: clinical testing. Allele origin: germline.

GeneDx
Classification: Likely benign. Last evaluated: 2020-08-03. Review status: criteria provided, single submitter. Criteria: GeneDx Variant Classification Process June 2021. Collection method: clinical testing. Allele origin: germline. Affected: yes.
Comment: This variant is associated with the following publications: (PMID: 11244483, 26435059)

CeGaT Center for Human Genetics Tuebingen
Classification: Uncertain significance. Last evaluated: 2019-05-01. Review status: criteria provided, single submitter. Criteria: CeGaT Center For Human Genetics Tuebingen Variant Classification Criteria Version 2. Collection method: clinical testing. Allele origin: germline. Affected: yes. Observed: 1 variant allele.

Athena Diagnostics
Classification: Likely benign. Last evaluated: 2019-02-15. Review status: criteria provided, single submitter. Criteria: Athena Diagnostics Criteria. Collection method: clinical testing. Allele origin: germline.

Illumina Laboratory Services, Illumina
Classification: Uncertain significance for WFS1-Related Spectrum Disorders. Last evaluated: 2017-04-27. Review status: criteria provided, single submitter. Criteria: ICSL Variant Classification Criteria 13 December 2019. Collection method: clinical testing. Allele origin: germline.

Eurofins Ntd Llc (ga)
Classification: Likely benign. Last evaluated: 2016-05-31. Review status: criteria provided, single submitter. Criteria: EGL Classification Definitions 2015. Collection method: clinical testing. Allele origin: germline. Observed: 1 variant allele, 1 heterozygote.

Personalized Diabetes Medicine Program, University of Maryland School of Medicine
Classification: Uncertain significance for Monogenic diabetes. Last evaluated: 2015-09-03. Review status: criteria provided, single submitter. Criteria: ACMG Guidelines, 2015. Collection method: research. Allele origin: unknown. Observed: 1 variant allele, 1 heterozygote.
Comment: ACMG Criteria: PP3, BS2

Laboratory for Molecular Medicine, Mass General Brigham Personalized Medicine
Classification: Benign. Last evaluated: 2015-05-28. Review status: criteria provided, single submitter. Criteria: LMM Criteria. Collection method: clinical testing. Allele origin: germline. Observed: 3 variant alleles.
Comment: Met518Ile in Exon 08 of WFS1: This variant is not expected to have clinical sign ificance because it has been identified in 0.6% (63/10382) of African American c hromosomes by the Exome Aggregation Consortium(ExAC. org; dbSNP rs138232538).

Literature cited by the submitters: PubMed 17492394 (cited by Athena Diagnostics); PubMed 20738327 (cited by Athena Diagnostics).

NM_006005.3(WFS1):c.1554G>A (p.Met518Ile)

Gene: WFS1 (wolframin ER transmembrane glycoprotein; plus strand). Cytogenetic location: 4p16.1.
Variant type: single nucleotide variant.
Coding change: c.1554G>A on transcript NM_006005.3 (MANE Select); coding-DNA position 1554, G replaced by A.
Protein change: p.Met518Ile; replaces methionine 518 with isoleucine.
Molecular consequence: missense variant.
Genome position (GRCh38, 1-based): chr4:6,301,349, G>A. VCF-style: chr4-6301349-G-A. GRCh37 (hg19) VCF-style: chr4-6303076-G-A.
Other names: c.1554G>A, p.Met518Ile (NM_001145853.1); short protein forms M518I.
Identifiers: ClinVar variation 215358 (VCV000215358.70), dbSNP rs138232538, ClinGen allele CA324553.